The following is an entry in ClinVar:

NM_001134407.3(GRIN2A):c.2635A>G (p.Lys879Glu)

Gene: GRIN2A (glutamate ionotropic receptor NMDA type subunit 2A; minus strand). Cytogenetic location: 16p13.2.
Variant type: single nucleotide variant.
Coding change: c.2635A>G on transcript NM_001134407.3 (MANE Select); coding-DNA position 2635, A replaced by G.
Protein change: p.Lys879Glu; replaces lysine 879 with glutamic acid.
Molecular consequence: missense variant.
Genome position (GRCh38, 1-based): chr16:9,764,909, T>C on the plus strand (A>G on the coding strand, the complement: GRIN2A is on the minus strand). VCF-style: chr16-9764909-T-C. GRCh37 (hg19) VCF-style: chr16-9858766-T-C.
Other names: c.2635A>G, p.Lys879Glu (NM_000833.5, NM_001134408.2); short protein forms K879E.
Identifiers: ClinVar variation 1329570 (VCV001329570.3), dbSNP rs2141138342, ClinGen allele CA394709688.

ClinVar aggregate classification (germline): Uncertain significance (1 of 4 stars; one submission).

Submission:

GeneDx
Classification: Uncertain significance. Last evaluated: 2024-07-17. Review status: criteria provided, single submitter. Criteria: GeneDx Variant Classification Process June 2021. Collection method: clinical testing. Allele origin: germline. Affected: yes.
Comment: Not observed at significant frequency in large population cohorts (gnomAD); In silico analysis indicates that this missense variant does not alter protein structure/function; Has not been previously published as pathogenic or benign to our knowledge